The following is an entry in ClinVar:

NM_015627.3(LDLRAP1):c.*63G>A

Gene: LDLRAP1 (low density lipoprotein receptor adaptor protein 1; plus strand). Cytogenetic location: 1p36.11.
Variant type: single nucleotide variant.
Coding change: c.*63G>A on transcript NM_015627.3 (MANE Select); 63 bases downstream of the stop codon, G replaced by A.
Molecular consequence: 3 prime UTR variant.
Genome position (GRCh38, 1-based): chr1:25,567,055, G>A. VCF-style: chr1-25567055-G-A. GRCh37 (hg19) VCF-style: chr1-25893546-G-A.
Identifiers: ClinVar variation 296989 (VCV000296989.19), dbSNP rs62619761, ClinGen allele CA10609990.
Genomic context (GRCh38, chr1:25,567,055, plus strand): 5'-GCCCGGGGCCAGCCGGACACAAGCGGCCCTGACACGTGATGGACCAAAGCCACCTGCTGC[G>A]GGGGAGCCAGTTCTGGGGCCCGCCTGCCACCTCTCCCAGCCCTCAGCATTGTCAGCCTGA-3'

ClinVar aggregate classification (germline): Benign. Review status: criteria provided, multiple submitters, no conflicts (2 of 4 stars). 3 submissions from 3 submitters: Benign (3). Last evaluated 2026-01-01.

Conditions:
Hypercholesterolemia, familial, 4 (FHCL4). Also called: HYPERCHOLESTEROLEMIA, AUTOSOMAL RECESSIVE, 1; HYPERCHOLESTEROLEMIA, AUTOSOMAL RECESSIVE, 2. Identifiers: Orphanet 391665, MedGen C1863512, MONDO:0011374, OMIM 603813.

Allele frequency attached by ClinVar (database versions not stated): gnomAD 0.00494; TOPMed 0.00592; 1000 Genomes Project 0.00679; 1000 Genomes Project 30x 0.00765.
gnomAD v4.1: 3,338 of 1,604,710 alleles (0.21%); highest among the groups gnomAD compares: Middle Eastern, 2.2%; 23 homozygotes.

Submissions (3):

CeGaT Center for Human Genetics Tuebingen
Classification: Benign. Last evaluated: 2026-01-01. Review status: criteria provided, single submitter. Criteria: CeGaT Center For Human Genetics Tuebingen Variant Classification Criteria Version 2. Collection method: clinical testing. Allele origin: germline. Affected: yes. Observed: 3 variant alleles.
Comment: LDLRAP1: BS1, BS2

Illumina Laboratory Services, Illumina
Classification: Benign for Hypercholesterolemia, familial, 4. Last evaluated: 2018-01-13. Review status: criteria provided, single submitter. Criteria: ICSL Variant Classification Criteria 13 December 2019. Collection method: clinical testing. Allele origin: germline.
Comment: This variant was observed in the ICSL laboratory as part of a predisposition screen in an ostensibly healthy population. It had not been previously curated by ICSL or reported in the Human Gene Mutation Database (HGMD: prior to June 1st, 2018), and was therefore a candidate for classification through an automated scoring system. Utilizing variant allele frequency, disease prevalence and penetrance estimates, and inheritance mode, an automated score was calculated to assess if this variant is too frequent to cause the disease. Based on the score and internal cut-off values, a variant classified as benign is not then subjected to further curation. The score for this variant resulted in a classification of benign for this disease.

Breakthrough Genomics
Classification: Benign. Review status: criteria provided, single submitter. Criteria: ACMG Guidelines, 2015. Collection method: not provided. Allele origin: germline. Inheritance: Autosomal recessive inheritance. Affected: yes.